The following is an entry in ClinVar:

NM_006939.4(SOS2):c.1507G>A (p.Glu503Lys)

Gene: SOS2 (SOS Ras/Rho guanine nucleotide exchange factor 2; minus strand). Cytogenetic location: 14q21.3.
Variant type: single nucleotide variant.
Coding change: c.1507G>A on transcript NM_006939.4 (MANE Select); coding-DNA position 1507, G replaced by A.
Protein change: p.Glu503Lys; replaces glutamic acid 503 with lysine.
Molecular consequence: missense variant.
Genome position (GRCh38, 1-based): chr14:50,159,776, C>T on the plus strand (G>A on the coding strand, the complement: SOS2 is on the minus strand). VCF-style: chr14-50159776-C-T. GRCh37 (hg19) VCF-style: chr14-50626494-C-T.
Other names: c.1408G>A, p.Glu470Lys (NM_001411020.1); short protein forms E470K, E503K.
Identifiers: ClinVar variation 1774114 (VCV001774114.2), dbSNP rs2502990005, ClinGen allele CA389645613.

ClinVar aggregate classification (germline): Uncertain significance (1 of 4 stars; one submission).

Conditions:
Cardiovascular phenotype. Identifiers: MedGen CN230736.

Submission:

Ambry Genetics
Classification: Uncertain significance for Cardiovascular phenotype. Last evaluated: 2021-12-03. Review status: criteria provided, single submitter. Criteria: Ambry Variant Classification Scheme 2023. Collection method: clinical testing. Allele origin: germline.
Comment: The p.E503K variant (also known as c.1507G>A), located in coding exon 10 of the SOS2 gene, results from a G to A substitution at nucleotide position 1507. The glutamic acid at codon 503 is replaced by lysine, an amino acid with similar properties. This amino acid position is conserved. In addition, the in silico prediction for this alteration is inconclusive. Since supporting evidence is limited at this time, the clinical significance of this alteration remains unclear.